The following is an entry in ClinVar:

ClinVar aggregate classification (germline): Pathogenic/Likely pathogenic. Review status: criteria provided, multiple submitters, no conflicts (2 of 4 stars). 3 submissions from 3 submitters: Pathogenic (1); Likely pathogenic (2). Last evaluated 2025-10-12.

Conditions:
Pigmentary pallidal degeneration (NBIA1). Also called: PKAN NEUROAXONAL DYSTROPHY, JUVENILE-ONSET; Pantothenate Kinase-Associated Neurodegeneration; Neuroaxonal dystrophy, late infantile; Hallervorden-Spatz disease; HARP SYNDROME; Neurodegeneration with brain iron accumulation 1. Identifiers: Orphanet 157850, MedGen C0018523, MONDO:0009319, OMIM 234200.
PANK2-related disorder. Also called: PANK2-related condition.

Allele frequency attached by ClinVar (database versions not stated): TOPMed 0.00001; gnomAD exomes 0.00001.

Submissions (3):

Mayo Clinic Laboratories, Mayo Clinic
Classification: Likely pathogenic. Last evaluated: 2025-10-12. Review status: criteria provided, single submitter. Criteria: ACMG Guidelines, 2015. Collection method: clinical testing. Allele origin: germline. Observed: 1 variant allele.
Comment: PM2_supporting, PVS1

Women's Health and Genetics/Laboratory Corporation of America, LabCorp
Classification: Pathogenic for Pigmentary pallidal degeneration. Last evaluated: 2023-12-19. Review status: criteria provided, single submitter. Criteria: LabCorp Variant Classification Summary - May 2015. Collection method: clinical testing. Allele origin: germline.
Comment: Variant summary: PANK2 c.68_69insTG (p.His24AspfsX182) results in a premature termination codon, predicted to cause a truncation of the encoded protein or absence of the protein due to nonsense mediated decay, which are commonly known mechanisms for disease. The variant was absent in 231232 control chromosomes (gnomAD). To our knowledge, no occurrence of c.68_69insTG in individuals affected with Pantothenate Kinase-Associated Neurodegeneration and no experimental evidence demonstrating its impact on protein function have been reported. No submitters have cited clinical-significance assessments for this variant to ClinVar after 2014. Based on the evidence outlined above, the variant was classified as pathogenic.

Blueprint Genetics
Classification: Likely pathogenic for PANK2-related disorders. Last evaluated: 2019-08-30. Review status: criteria provided, single submitter. Criteria: ACMG Guidelines, 2015. Collection method: clinical testing. Allele origin: germline. Affected: yes. Observed: 1 variant allele.

NM_153638.4(PANK2):c.68_69insTG (p.His24fs)

Genes: PANK2 (pantothenate kinase 2; plus strand), PANK2-AS1 (PANK2 antisense RNA 1; minus strand). Cytogenetic location: 20p13.
Variant type: Insertion.
Coding change: c.68_69insTG on transcript NM_153638.4; coding-DNA positions 68 to 69, TG inserted.
Protein change: p.His24fs; shifts the reading frame from histidine 24.
Molecular consequence: frameshift variant. On other transcripts: intron variant (1).
Genome position: GRCh38 VCF-style: chr20-3889168-T-TTG. GRCh37 (hg19) VCF-style: chr20-3869815-T-TTG.
Other names: p.His24Aspfs*182; c.68_69insTG (NM_153638.3); c.68_69insTG, p.His24fs (NM_001324192.1); c.-246+264_-246+265insTG (NM_024960.6); short protein forms H24fs.
Identifiers: ClinVar variation 2691349 (VCV002691349.2), dbSNP rs1481266018, ClinGen allele CA634331138.
Genomic context (GRCh38, chr20:3,889,168, plus strand): 5'-GGCTCGGGCCCTTCCACCCACGCGTCCATTGGGCGGCGCCGCCATCACTCTCTTCTGGGC[T>TTG]ACACCGCCTTCTCTTCCTCCGCGGAACCCGGATCCCCTCCTCCACCACCCTCTCCCCGCC-3'